The following is an entry in ClinVar:

NM_003159.3(CDKL5):c.3075G>A (p.Ala1025=)

Genes: CDKL5 (cyclin dependent kinase like 5; plus strand), RS1 (retinoschisin 1; minus strand). Cytogenetic location: Xp22.13.
Variant type: single nucleotide variant.
Coding change: c.3075G>A on transcript NM_003159.3; coding-DNA position 3075, G replaced by A.
Protein change: p.Ala1025=; no amino-acid change (alanine 1025 retained).
Molecular consequence: synonymous variant. On other transcripts: intron variant (1).
Genome position (GRCh38, 1-based): chrX:18,653,526, G>A. VCF-style: chrX-18653526-G-A. GRCh37 (hg19) VCF-style: chrX-18671646-G-A.
Other names: c.3075G>A, p.Ala1025= (NM_001037343.2); c.184+3127C>T (NM_000330.4).
Identifiers: ClinVar variation 2660107 (VCV002660107.22), dbSNP rs942884617, ClinGen allele CA327013573.

ClinVar aggregate classification (germline): Conflicting classifications of pathogenicity. Review status: criteria provided, conflicting classifications (1 of 4 stars). 2 submissions from 2 submitters: Uncertain significance (1); Likely benign (1). Last evaluated 2025-05-13.

Allele frequency attached by ClinVar (database versions not stated): gnomAD exomes below 0.00001.
gnomAD v4.1: 8 of 1,210,228 alleles (0.00066%); highest among the groups gnomAD compares: East Asian, 0.003%; no homozygotes.

Submissions (2):

Greenwood Genetic Center Diagnostic Laboratories, Greenwood Genetic Center
Classification: Uncertain significance. Last evaluated: 2025-05-13. Review status: criteria provided, single submitter. Criteria: ACMG Guidelines, 2015. Collection method: clinical testing. Allele origin: germline. Affected: yes.
Comment: BP4

CeGaT Center for Human Genetics Tuebingen
Classification: Likely benign. Last evaluated: 2022-10-01. Review status: criteria provided, single submitter. Criteria: CeGaT Center For Human Genetics Tuebingen Variant Classification Criteria Version 2. Collection method: clinical testing. Allele origin: germline. Affected: yes. Observed: 1 variant allele.
Comment: CDKL5: BP4, BP7